The following is an entry in ClinVar:

ClinVar aggregate classification (germline): Uncertain significance (1 of 4 stars; one submission).

Conditions:
Hereditary cancer-predisposing syndrome. Also called: Tumor predisposition; Neoplastic Syndromes, Hereditary; Hereditary Cancer Syndrome; Hereditary neoplastic syndrome. Identifiers: Orphanet 140162, MedGen C0027672, MeSH D009386, MONDO:0015356.

Submission:

Ambry Genetics
Classification: Uncertain significance for Hereditary cancer-predisposing syndrome. Last evaluated: 2024-08-27. Review status: criteria provided, single submitter. Criteria: Ambry Variant Classification Scheme 2023. Collection method: clinical testing. Allele origin: germline.
Comment: The p.S2705R variant (also known as c.8115C>A), located in coding exon 17 of the BRCA2 gene, results from a C to A substitution at nucleotide position 8115. The serine at codon 2705 is replaced by arginine, an amino acid with dissimilar properties. This amino acid position is not well conserved in available vertebrate species. In addition, the in silico prediction for this alteration is inconclusive. Based on the available evidence, the clinical significance of this variant remains unclear.

NM_000059.4(BRCA2):c.8115C>A (p.Ser2705Arg)

Gene: BRCA2 (BRCA2 DNA repair associated; plus strand). Cytogenetic location: 13q13.1.
Variant type: single nucleotide variant.
Coding change: c.8115C>A on transcript NM_000059.4 (MANE Select); coding-DNA position 8115, C replaced by A.
Protein change: p.Ser2705Arg; replaces serine 2705 with arginine.
Molecular consequence: missense variant. On other transcripts: non-coding transcript variant (1).
Genome position (GRCh38, 1-based): chr13:32,363,317, C>A. VCF-style: chr13-32363317-C-A. GRCh37 (hg19) VCF-style: chr13-32937454-C-A.
Other names: c.8019C>A, p.Ser2673Arg (NM_001406719.1); c.8115C>A, p.Ser2705Arg (NM_001406720.1, NM_001432077.1); c.3183C>A, p.Ser1061Arg (NM_001406721.1); c.1698C>A, p.Ser566Arg (NM_001406722.1); short protein forms S2673R, S566R, S1061R, S2705R.
Identifiers: ClinVar variation 3482056 (VCV003482056.1).